The following is an entry in ClinVar:

NM_001376.5(DYNC1H1):c.6795C>T (p.Tyr2265=)

Gene: DYNC1H1 (dynein cytoplasmic 1 heavy chain 1; plus strand). Cytogenetic location: 14q32.31.
Variant type: single nucleotide variant.
Coding change: c.6795C>T on transcript NM_001376.5 (MANE Select); coding-DNA position 6795, C replaced by T.
Protein change: p.Tyr2265=; no amino-acid change (tyrosine 2265 retained).
Molecular consequence: synonymous variant.
Genome position (GRCh38, 1-based): chr14:102,012,051, C>T. VCF-style: chr14-102012051-C-T. GRCh37 (hg19) VCF-style: chr14-102478388-C-T.
Identifiers: ClinVar variation 472547 (VCV000472547.39), dbSNP rs200339812, ClinGen allele CA7352675.
Genomic context (GRCh38, chr14:102,012,051, plus strand): 5'-GGGTGTGGAAGGTGTGGCCCATATCATCGACCCCAAGGCCATCAGCAAAGACCACCTCTA[C>T]GGAACCCTGGACCCCAACACCAGGGAATGGACAGATGGGCTCTTCACACACGTGCTGAGA-3'
Protein context (NP_001367.2, residues 2255-2275): DPKAISKDHL[Tyr2265=]GTLDPNTREW

ClinVar aggregate classification (germline): Benign/Likely benign. Review status: criteria provided, multiple submitters, no conflicts (2 of 4 stars). 7 submissions from 7 submitters: Benign (1); Likely benign (6). Last evaluated 2025-11-25.

Conditions:
DYNC1H1-related disorder. Also called: DYNC1H1-related condition; DYNC1H1-related disorders. Identifiers: MedGen CN381529.
Charcot-Marie-Tooth disease. Also called: Charcot-Marie-Tooth Hereditary Neuropathy; Charcot-Marie-Tooth Neuropathy. Identifiers: Orphanet 166, MedGen C0007959, MONDO:0015626.
Charcot-Marie-Tooth disease axonal type 2O. Also called: CHARCOT-MARIE-TOOTH NEUROPATHY, AXONAL, TYPE 2O; CHARCOT-MARIE-TOOTH DISEASE, AXONAL, AUTOSOMAL DOMINANT, TYPE 2O; Charcot-Marie-Tooth Neuropathy Type 2O; Charcot-Marie-Tooth disease, axonal, type 20. Identifiers: Orphanet 284232, MedGen C3280220, MONDO:0013644, OMIM 614228.

Allele frequency attached by ClinVar (database versions not stated): ExAC 0.00002; gnomAD exomes 0.00004 and 0.00006; gnomAD 0.00006 and 0.00008; ESP Exome Variant Server 0.00008; TOPMed 0.00009.
gnomAD v4.1: 97 of 1,614,046 alleles (0.006%); highest among the groups gnomAD compares: Non-Finnish European, 0.0076%; no homozygotes.

Submissions (7):

Labcorp Genetics (formerly Invitae), Labcorp
Classification: Likely benign for Charcot-Marie-Tooth disease axonal type 2O. Last evaluated: 2025-11-25. Review status: criteria provided, single submitter. Criteria: Invitae Variant Classification Sherloc (09022015). Collection method: clinical testing. Allele origin: germline.

PreventionGenetics, part of Exact Sciences
Classification: Likely benign for DYNC1H1-related condition. Last evaluated: 2025-03-31. Review status: criteria provided, single submitter. Criteria: ACMG Guidelines, 2015. Collection method: clinical testing. Allele origin: germline.
Comment: This variant is classified as likely benign based on ACMG/AMP sequence variant interpretation guidelines (Richards et al. 2015 PMID: 25741868, with internal and published modifications).

Blueprint Genetics
Classification: Likely benign. Last evaluated: 2024-07-03. Review status: criteria provided, single submitter. Criteria: ACMG Guidelines, 2015. Collection method: clinical testing. Allele origin: germline.

CeGaT Center for Human Genetics Tuebingen
Classification: Likely benign. Last evaluated: 2023-11-01. Review status: criteria provided, single submitter. Criteria: CeGaT Center For Human Genetics Tuebingen Variant Classification Criteria Version 2. Collection method: clinical testing. Allele origin: germline. Affected: yes. Observed: 1 variant allele.
Comment: DYNC1H1: BP4, BP7

GeneDx
Classification: Likely benign. Last evaluated: 2021-03-30. Review status: criteria provided, single submitter. Criteria: GeneDx Variant Classification Process June 2021. Collection method: clinical testing. Allele origin: germline. Affected: yes.

Athena Diagnostics
Classification: Benign. Last evaluated: 2018-05-02. Review status: criteria provided, single submitter. Criteria: Athena Diagnostics Criteria. Collection method: clinical testing. Allele origin: germline.

Molecular Genetics Laboratory, London Health Sciences Centre
Classification: Likely benign for Charcot-Marie-Tooth disease. Review status: criteria provided, single submitter. Criteria: ACMG Guidelines, 2015. Collection method: clinical testing. Allele origin: germline. Affected: yes.